The following is an entry in ClinVar:

ClinVar aggregate classification (germline): Uncertain significance (1 of 4 stars; one submission).

Conditions:
Congenital nonprogressive myopathy with Moebius and Robin sequences. Also called: Carey-Fineman-Ziter syndrome. Identifiers: Orphanet 1358, MedGen C1850746, MONDO:0031415.

Allele frequency attached by ClinVar (database versions not stated): TOPMed 0.00002.

Submission:

Illumina Laboratory Services, Illumina
Classification: Uncertain significance for Carey-Fineman-Ziter syndrome 1. Last evaluated: 2019-06-04. Review status: criteria provided, single submitter. Criteria: ICSLVariantClassificationCriteria RUGD 01 April 2020. Collection method: clinical testing. Allele origin: unknown.
Comment: The MYMK c.481G>C (p.Gly161Arg) variant is a missense variant. A literature search was performed for the gene, cDNA change and amino acid change. No publications were found based on this search. The variant is reported at a frequency of 0.000018 in the Total population from the Genome Aggregation Database in a region of good sequencing coverage. There is no functional evidence for this variant, but it is located in the transmembrane domain 6 (Di Gioia et al. 2017). Based on limited evidence, the p.Gly161Arg variant is classified as a variant of uncertain significance for Carey-Fineman-Ziter syndrome.

Literature cited by the submitters: PubMed 28681861.

NM_001080483.3(MYMK):c.481G>C (p.Gly161Arg)

Gene: MYMK (myomaker, myoblast fusion factor; minus strand). Cytogenetic location: 9q34.2.
Variant type: single nucleotide variant.
Coding change: c.481G>C on transcript NM_001080483.3 (MANE Select); coding-DNA position 481, G replaced by C.
Protein change: p.Gly161Arg; replaces glycine 161 with arginine.
Molecular consequence: missense variant.
Genome position (GRCh38, 1-based): chr9:133,515,526, C>G on the plus strand (G>C on the coding strand, the complement: MYMK is on the minus strand). VCF-style: chr9-133515526-C-G. GRCh37 (hg19) VCF-style: chr9-136380648-C-G.
Other names: short protein forms G161R.
Identifiers: ClinVar variation 989380 (VCV000989380.4), dbSNP rs766698870, ClinGen allele CA5312186.